The following is an entry in ClinVar:

ClinVar aggregate classification (germline): Uncertain significance (1 of 4 stars; one submission).

Allele frequency attached by ClinVar (database versions not stated): gnomAD exomes below 0.00001; TOPMed 0.00001.
gnomAD v4.1: 3 of 1,612,996 alleles (0.00019%); highest among the groups gnomAD compares: Admixed American, 0.0017%; no homozygotes.

Submission:

Labcorp Genetics (formerly Invitae), Labcorp
Classification: Uncertain significance. Last evaluated: 2022-12-02. Review status: criteria provided, single submitter. Criteria: Invitae Variant Classification Sherloc (09022015). Collection method: clinical testing. Allele origin: germline.
Comment: In summary, the available evidence is currently insufficient to determine the role of this variant in disease. Therefore, it has been classified as a Variant of Uncertain Significance. Variants that disrupt the consensus splice site are a relatively common cause of aberrant splicing (PMID: 17576681, 9536098). Algorithms developed to predict the effect of sequence changes on RNA splicing suggest that this variant may disrupt the consensus splice site. ClinVar contains an entry for this variant (Variation ID: 1412407). This variant has not been reported in the literature in individuals affected with CACNA2D4-related conditions. This variant is present in population databases (no rsID available, gnomAD 0.003%). This sequence change falls in intron 37 of the CACNA2D4 gene. It does not directly change the encoded amino acid sequence of the CACNA2D4 protein. It affects a nucleotide within the consensus splice site.

Literature cited by the submitters: PubMed 17576681; PubMed 9536098.

NM_172364.5(CACNA2D4):c.3309+5G>A

Gene: CACNA2D4 (calcium voltage-gated channel auxiliary subunit alpha2delta 4; minus strand). Cytogenetic location: 12p13.33.
Variant type: single nucleotide variant.
Coding change: c.3309+5G>A on transcript NM_172364.5 (MANE Select); 5 bases into the intron after coding-DNA position 3309, G replaced by A.
Molecular consequence: intron variant.
Genome position (GRCh38, 1-based): chr12:1,795,294, C>T on the plus strand (G>A on the coding strand, the complement: CACNA2D4 is on the minus strand). VCF-style: chr12-1795294-C-T. GRCh37 (hg19) VCF-style: chr12-1904460-C-T.
Identifiers: ClinVar variation 1412407 (VCV001412407.6), dbSNP rs1319751569, ClinGen allele CA383347960.